The following continues an entry in ClinVar:

NM_000350.3(ABCA4):c.6320G>A (p.Arg2107His)

Gene: ABCA4. ClinVar aggregate classification (germline): Pathogenic. Pathogenic (1).

Submissions 5 to 17 of 30:

Variantyx, Inc.
Classification: Pathogenic for Autosomal recessive ABCA4-related disorders. Last evaluated: 2025-12-01. Review status: criteria provided, single submitter. Criteria: Variantyx Assertion Criteria 2022. Collection method: clinical testing. Allele origin: germline. Inheritance: Autosomal recessive inheritance. Affected: yes. Not counted in ClinVar's aggregate classification.
Comment: This is a nonsynonymous variant in the ABCA4 gene (OMIM: 601691). Pathogenic variants in this gene have been associated with autosomal recessive ABCA4-related disorders. This variant has been identified in the homozygous or compound heterozygous state in many unrelated individuals with Stargardt disease and late-onset fundus flavimaculatus reported in the published literature (PMID: 25066811, 24011517, 9781034, 39162841 (PM3). Functional studies have shown that this variant alters ABCA4 protein function (PMID: 32845050, 11017087) (PS3_Moderate) and multiple computational algorithms predict a deleterious effect for this variant (REVEL score: 0.880) (PP3). An alternate amino acid change at this position (p.Arg2107Cys) has been previously reported in similarly affected individuals, which suggests that this residue is biologically important (PMID: 24097981, 23755871) (PM5). This variant has a 2.0718% maximum allele frequency in non-founder control populations. Based on the current evidence, this variant is classified as pathogenic for autosomal recessive ABCA4-related disorders.

Greenwood Genetic Center Diagnostic Laboratories, Greenwood Genetic Center
Classification: Uncertain significance. Last evaluated: 2025-10-03. Review status: criteria provided, single submitter. Criteria: ACMG Guidelines, 2015. Collection method: clinical testing. Allele origin: germline. Affected: yes. Not counted in ClinVar's aggregate classification.
Comment: PS3_Moderate, PM1, BS1, PP3

First Genomix Gene Laboratory, Genetic Diagnostics Department
Classification: Pathogenic for Cone-rod dystrophy 3; Severe early-childhood-onset retinal dystrophy; Retinitis pigmentosa 19. Last evaluated: 2025-08-04. Review status: criteria provided, single submitter. Criteria: ACMG Guidelines, 2015. Collection method: clinical testing. Allele origin: germline. Inheritance: Autosomal recessive inheritance. Affected: no. Observed: 1 variant allele. Not counted in ClinVar's aggregate classification.

Women's Health and Genetics/Laboratory Corporation of America, LabCorp
Classification: Pathogenic for Stargardt disease. Last evaluated: 2025-04-09. Review status: criteria provided, single submitter. Criteria: LabCorp Variant Classification Summary - May 2015. Collection method: clinical testing. Allele origin: germline. Not counted in ClinVar's aggregate classification.
Comment: Variant summary: ABCA4 c.6320G>A (p.Arg2107His) results in a non-conservative amino acid change in the encoded protein sequence. Four of five in-silico tools predict a damaging effect of the variant on protein function. The variant allele was found at a frequency of 0.0011 in 1614112 control chromosomes in the gnomAD v4 database, predominantly at a frequency of 0.021 within the African or African-American subpopulation in the gnomAD v4 database, including 16 homozygotes. Although the observed variant frequency within African or African-American control individuals in the gnomAD database is approximately 15-fold of the estimated maximal expected allele frequency for a pathogenic variant in ABCA4 causing Stargardt disease, at least one publication reported the variant was present in ~20% of Stargardt patients in a cohort of African descent (e.g. Zernant_2014). c.6320G>A has been reported in the literature in multiple individuals affected with Stargardt Disease including as a homozygous, compound heterozygous, or heterozygous phenotype (e.g. Lee_2022, Zernant_2014) with one publication providing evidence that the variant is associated with later disease onset and milder disease course in individuals of African descent (Zernant_2014). These data indicate that the variant is very likely to be associated with disease. The following publications have been ascertained in the context of this evaluation (PMID: 34874912, 25066811). ClinVar contains an entry for this variant (Variation ID: 99448). Based on the evidence outlined above, the variant was classified as pathogenic.

SingHealth Duke-NUS Institute of Precision Medicine
Classification: Likely pathogenic for Severe early-childhood-onset retinal dystrophy. Last evaluated: 2025-02-05. Review status: criteria provided, single submitter. Criteria: PRISM ACMG Classification Criteria. Collection method: clinical testing. Allele origin: germline. Affected: yes. Not counted in ClinVar's aggregate classification.
Comment: Variant is located in a mutational hotspot where >50% of variants are pathogenic (PM1). Other variant at this amino acid residue has been classified as pathogenic(PM5, p.Arg2107Cys). REVEL score is 0.88 (PP3_mod)

Genomic Medicine Center of Excellence, King Faisal Specialist Hospital and Research Centre
Classification: Likely pathogenic for Severe early-childhood-onset retinal dystrophy. Last evaluated: 2024-10-07. Review status: criteria provided, single submitter. Criteria: ACMG Guidelines, 2015. Collection method: clinical testing. Allele origin: germline. Not counted in ClinVar's aggregate classification.

Blueprint Genetics
Classification: Pathogenic for ABCA4-related disorders. Last evaluated: 2024-09-20. Review status: criteria provided, single submitter. Criteria: ACMG Guidelines, 2015. Collection method: clinical testing. Allele origin: germline. Affected: yes. Observed: 5 variant alleles. Not counted in ClinVar's aggregate classification.

CeGaT Center for Human Genetics Tuebingen
Classification: Pathogenic. Last evaluated: 2024-02-01. Review status: criteria provided, single submitter. Criteria: CeGaT Center For Human Genetics Tuebingen Variant Classification Criteria Version 2. Collection method: clinical testing. Allele origin: germline. Affected: yes. Observed: 2 variant alleles. Not counted in ClinVar's aggregate classification.
Comment: ABCA4: PM3:Very Strong, PM1, PM5, PM2:Supporting, PS3:Supporting, BS2

Fulgent Genetics
Classification: Pathogenic for Age related macular degeneration 2; Severe early-childhood-onset retinal dystrophy; Retinitis pigmentosa 19; Cone-rod dystrophy 3. Last evaluated: 2024-01-20. Review status: criteria provided, single submitter. Criteria: ACMG Guidelines, 2015. Collection method: clinical testing. Allele origin: germline. Not counted in ClinVar's aggregate classification.

ARUP Laboratories, Molecular Genetics and Genomics, ARUP Laboratories
Classification: Likely pathogenic. Last evaluated: 2023-11-29. Review status: criteria provided, single submitter. Criteria: ARUP Molecular Germline Variant Investigation Process 2024. Collection method: clinical testing. Allele origin: germline. Not counted in ClinVar's aggregate classification.
Comment: The ABCA4 p.Arg2107His variant accounts for up to 20% of pathogenic variants identified in Stargardt disease patients of African descent (Zernant 2014). This variant has also been identified in trans with other pathogenic alleles (selected references: Rozet 1998, Utz 2013, Jiang 2016, and Fujinami 2019). This variant is found in the African population with an allele frequency of 2% (519/ 24,958 alleles, including 4 homozygotes) in the Genome Aggregation Database. Despite its high population frequency and presence of homozygotes in population databases, only a small number of homozygous individuals with Stargardt disease have been reported in the literature suggesting that in the homozygous state this allele may result in a milder phenotype or reduced penetrance (Zernant 2014). Based on available information, this variant is considered to be likely pathogenic.

Laboratory for Molecular Medicine, Mass General Brigham Personalized Medicine
Classification: Likely pathogenic for Stargardt disease. Last evaluated: 2023-10-02. Review status: criteria provided, single submitter. Criteria: ACMG Guidelines, 2015. Collection method: clinical testing. Allele origin: germline. Inheritance: Autosomal recessive inheritance. Not counted in ClinVar's aggregate classification.
Comment: The p.Arg2107His variant in ABCA4 has been reported in the compound heterozygous state in at least 19 individuals and in the homozygote state in an individual with clinical features of Stargardt disease. The homozygous individual had late-onset disease (Rozet 1998 PMID: 9781034, Utz 2013 PMID: 24011517, Zernant 2014 PMID: 25066811, Stone 2017 PMID: 28559085, Vallim Salles 2018 PMID: 30093795) and accounts for about 1/5 of pathogenic variants identified in affected individuals of African American descent (Zernant 2014 PMID: 25066811). This variant has also been reported by other clinical laboratories in ClinVar (Variation ID 99448) and has been identified in 2.1% (864/41452) of African chromosomes by gnomAD including 9 homozygotes (v.3.1.2), which is higher than the expected frequency for penetrant disease-causing alleles. However, very few homozygous individuals with Stargardt disease have been reported in the literature suggesting that in the homozygous state, this allele may result in a milder, subclinical phenotype or reduced penetrance. In vitro studies show that this variant showed slightly reduced expression in transfected cells and decreased ATPase activity but were still able to bind and be stimulated by trans-retinal (Curtis 2020 PMID: 32845050), which could be consistent with the milder phenotype observed in homozygotes and the later age of onset of disease. Computational prediction tools and conservation analyses suggest that this variant may impact the protein. In summary, although additional studies are required to fully establish its clinical significance, this variant meets criteria to be classified as likely pathogenic for autosomal recessive Stargardt disease and is expected to cause more severe disease in the compound heterozygote state with a penetrant, more severe pathogenic variant on the other copy of the gene (in trans). ACMG/AMP Criteria applied: PM3_VeryStrong, PP3.

Dept Of Ophthalmology, Nagoya University
Classification: Pathogenic for Retinal dystrophy. Last evaluated: 2023-10-01. Review status: criteria provided, single submitter. Criteria: Submitter's publication. Collection method: research. Allele origin: germline. Affected: yes. Not counted in ClinVar's aggregate classification.

GeneDx
Classification: Pathogenic. Last evaluated: 2022-03-18. Review status: criteria provided, single submitter. Criteria: GeneDx Variant Classification Process June 2021. Collection method: clinical testing. Allele origin: germline. Affected: yes. Not counted in ClinVar's aggregate classification.
Comment: In silico analysis supports that this missense variant has a deleterious effect on protein structure/function; Additional genotype/phenotype studies are needed to better establish the contribution of R2107H to disease; This variant is associated with the following publications: (PMID: 16123440, 23499370, 25444351, 26780318, 23982839, 28559085, 16917483, 11385708, 19230850, 14709597, 15223829, 25884411, 26214332, 26311262, 19365039, 23882696, 25066811, 24011517, 11384574, 25283059, 25910913, 19243736, 23953153, 9781034, 29555955, 30093795, 29925512, 32845050, 32581362, 22995991, 22025579, 33301772, 33691693, 34426522, 32619608, 33261146, 22264887, 34073554)